The following is an entry in ClinVar:

NM_000038.6(APC):c.2307A>G (p.Leu769=)

Gene: APC (APC regulator of Wnt signaling pathway; plus strand). Cytogenetic location: 5q22.2.
Variant type: single nucleotide variant.
Coding change: c.2307A>G on transcript NM_000038.6 (MANE Select); coding-DNA position 2307, A replaced by G.
Protein change: p.Leu769=; no amino-acid change (leucine 769 retained).
Molecular consequence: synonymous variant.
Genome position (GRCh38, 1-based): chr5:112,837,901, A>G. VCF-style: chr5-112837901-A-G. GRCh37 (hg19) VCF-style: chr5-112173598-A-G.
Other names: c.2307A>G, p.Leu769= (NM_001127510.3, NM_001354895.2); c.2253A>G, p.Leu751= (NM_001127511.3); c.2361A>G, p.Leu787= (NM_001354896.2); c.2337A>G, p.Leu779= (NM_001354897.2); c.2232A>G, p.Leu744= (NM_001354898.2); c.2223A>G, p.Leu741= (NM_001354899.2); c.2184A>G, p.Leu728= (NM_001354900.2); c.2130A>G, p.Leu710= (NM_001354901.2); and 5 more.
Identifiers: ClinVar variation 1105837 (VCV001105837.12), dbSNP rs1561576071, ClinGen allele CA445963344.
Genomic context (GRCh38, chr5:112,837,901, plus strand): 5'-GCCATCTCTTCATGTTAGGAAACAAAAAGCCCTAGAAGCAGAATTAGATGCTCAGCACTT[A>G]TCAGAAACTTTTGACAATATAGACAATTTAAGTCCCAAGGCATCTCATCGTAGTAAGCAG-3'
Protein context (NP_000029.2, residues 759-779): ALEAELDAQH[Leu769=]SETFDNIDNL

ClinVar aggregate classification (germline): Benign/Likely benign. Review status: criteria provided, multiple submitters, no conflicts (2 of 4 stars). 3 submissions from 3 submitters: Benign (1); Likely benign (2). Last evaluated 2024-03-11.

Conditions:
Hereditary cancer-predisposing syndrome. Also called: Tumor predisposition; Neoplastic Syndromes, Hereditary; Hereditary Cancer Syndrome; Hereditary neoplastic syndrome. Identifiers: Orphanet 140162, MedGen C0027672, MeSH D009386, MONDO:0015356.
Familial adenomatous polyposis 1 (FAP1). Also called: FAMILIAL ADENOMATOUS POLYPOSIS 1, ATTENUATED; POLYPOSIS, ADENOMATOUS INTESTINAL. Identifiers: MedGen C2713442, MONDO:0021056, OMIM 175100. Disease mechanism: loss of function.

gnomAD v4.1: 2 of 1,614,154 alleles (0.00012%); highest among the groups gnomAD compares: Non-Finnish European, 0.00017%; no homozygotes.

Submissions (3):

Myriad Genetics, Inc.
Classification: Benign for Familial adenomatous polyposis 1. Last evaluated: 2024-03-11. Review status: criteria provided, single submitter. Criteria: Myriad Autosomal Dominant, Autosomal Recessive and X-Linked Classification Criteria (2023). Collection method: clinical testing. Allele origin: unknown.
Comment: This variant is considered benign. This variant is a silent/synonymous amino acid change and it is not expected to impact splicing.

Labcorp Genetics (formerly Invitae), Labcorp
Classification: Likely benign for Familial adenomatous polyposis 1. Last evaluated: 2023-11-17. Review status: criteria provided, single submitter. Criteria: Invitae Variant Classification Sherloc (09022015). Collection method: clinical testing. Allele origin: germline.

Ambry Genetics
Classification: Likely benign for Hereditary cancer-predisposing syndrome. Last evaluated: 2020-11-01. Review status: criteria provided, single submitter. Criteria: Ambry Variant Classification Scheme 2023. Collection method: clinical testing. Allele origin: germline.